The following is an entry in ClinVar:

ClinVar aggregate classification (germline): Likely benign (1 of 4 stars; one submission).

gnomAD v4.1: 15 of 1,537,566 alleles (0.00098%); highest among the groups gnomAD compares: African/African-American, 0.011%; 1 homozygote.

Submission:

CeGaT Center for Human Genetics Tuebingen
Classification: Likely benign. Last evaluated: 2025-11-01. Review status: criteria provided, single submitter. Criteria: CeGaT Center For Human Genetics Tuebingen Variant Classification Criteria Version 2. Collection method: clinical testing. Allele origin: germline. Affected: yes. Observed: 1 variant allele.
Comment: COMP: PP2, BP4, BS2

NM_000095.3(COMP):c.236G>T (p.Arg79Leu)

Gene: COMP (cartilage oligomeric matrix protein; minus strand). Cytogenetic location: 19p13.11.
Variant type: single nucleotide variant.
Coding change: c.236G>T on transcript NM_000095.3 (MANE Select); coding-DNA position 236, G replaced by T.
Protein change: p.Arg79Leu; replaces arginine 79 with leucine.
Molecular consequence: missense variant.
Genome position (GRCh38, 1-based): chr19:18,790,096, C>A on the plus strand (G>T on the coding strand, the complement: COMP is on the minus strand). VCF-style: chr19-18790096-C-A. GRCh37 (hg19) VCF-style: chr19-18900905-C-A.
Other names: short protein forms R79L.
Identifiers: ClinVar variation 4534658 (VCV004534658.6).
Genomic context (GRCh38, chr19:18,790,096, plus strand): 5'-CCGGGGAAGCAGAAGCCGGGCGCGCAGTGGAGCAGGGGCCGCACGCTGGGTAGGCCGGTG[C>A]GTACTGACTGCTGCATCCCTGCGGGGGGGAGGGGGGAGAAGCGGCGGGGCTGATCGGTGG-3'
Protein context (NP_000086.2, residues 69-89): CDACGMQQSV[Arg79Leu]TGLPSVRPLL